The following is an entry in ClinVar:

ClinVar aggregate classification (germline): Uncertain significance. Review status: criteria provided, multiple submitters, no conflicts (2 of 4 stars). 2 submissions from 2 submitters: Uncertain significance (2). Last evaluated 2023-12-12.

Allele frequency attached by ClinVar (database versions not stated): gnomAD exomes below 0.00001.

Submissions (2):

GeneDx
Classification: Uncertain significance. Last evaluated: 2023-12-12. Review status: criteria provided, single submitter. Criteria: GeneDx Variant Classification Process June 2021. Collection method: clinical testing. Allele origin: germline. Affected: yes.
Comment: In silico analysis supports that this missense variant does not alter protein structure/function; Not observed at significant frequency in large population cohorts (gnomAD); Has not been previously published as pathogenic or benign to our knowledge

Women's Health and Genetics/Laboratory Corporation of America, LabCorp
Classification: Uncertain significance. Last evaluated: 2023-12-07. Review status: criteria provided, single submitter. Criteria: LabCorp Variant Classification Summary - May 2015. Collection method: clinical testing. Allele origin: germline.
Comment: Variant summary: NPRL2 c.101G>A (p.Arg34Gln) results in a conservative amino acid change in the encoded protein sequence. Four of five in-silico tools predict a benign effect of the variant on protein function. The variant allele was found at a frequency of 1.2e-06 in 831,484 control chromosomes (i.e. found in 1 carrier) in the gnomAD database, v4.0 dataset. The available data on variant occurrences in the general population are insufficient to allow any conclusion about variant significance. To our knowledge, no occurrence of c.101G>A in individuals affected with Epilepsy, Familial Focal, With Variable Foci 2 and no experimental evidence demonstrating its impact on protein function have been reported. No submitters have cited clinical-significance assessments for this variant to ClinVar after 2014. Based on the evidence outlined above, the variant was classified as uncertain significance.

NM_006545.5(NPRL2):c.101G>A (p.Arg34Gln)

Gene: NPRL2 (NPR2 like, GATOR1 complex subunit; minus strand). Cytogenetic location: 3p21.31.
Variant type: single nucleotide variant.
Coding change: c.101G>A on transcript NM_006545.5 (MANE Select); coding-DNA position 101, G replaced by A.
Protein change: p.Arg34Gln; replaces arginine 34 with glutamine.
Molecular consequence: missense variant.
Genome position (GRCh38, 1-based): chr3:50,350,000, C>T on the plus strand (G>A on the coding strand, the complement: NPRL2 is on the minus strand). VCF-style: chr3-50350000-C-T. GRCh37 (hg19) VCF-style: chr3-50387431-C-T.
Other names: c.101G>A (NM_006545.4); short protein forms R34Q.
Identifiers: ClinVar variation 2691507 (VCV002691507.2), dbSNP rs1575563156, ClinGen allele CA352952418.